The following is an entry in ClinVar:

ClinVar aggregate classification (germline): Uncertain significance (1 of 4 stars; one submission).

Conditions:
Hereditary cancer-predisposing syndrome. Also called: Tumor predisposition; Hereditary Cancer Syndrome; Neoplastic Syndromes, Hereditary; Hereditary neoplastic syndrome. Identifiers: Orphanet 140162, MedGen C0027672, MeSH D009386, MONDO:0015356.

Allele frequency attached by ClinVar (database versions not stated): gnomAD exomes 0.00001.
gnomAD v4.1: 8 of 1,614,066 alleles (0.0005%); highest among the groups gnomAD compares: Non-Finnish European, 0.00068%; no homozygotes.

Submission:

Ambry Genetics
Classification: Uncertain significance for Hereditary cancer-predisposing syndrome. Last evaluated: 2024-01-19. Review status: criteria provided, single submitter. Criteria: Ambry Variant Classification Scheme 2023. Collection method: clinical testing. Allele origin: germline.
Comment: The p.L952V variant (also known as c.2854C>G), located in coding exon 4 of the MSH6 gene, results from a C to G substitution at nucleotide position 2854. The leucine at codon 952 is replaced by valine, an amino acid with highly similar properties. This amino acid position is not well conserved in available vertebrate species. In addition, this alteration is predicted to be tolerated by in silico analysis. Since supporting evidence is limited at this time, the clinical significance of this alteration remains unclear.

NM_000179.3(MSH6):c.2854C>G (p.Leu952Val)

Gene: MSH6 (mutS homolog 6; plus strand). Cytogenetic location: 2p16.3.
Variant type: single nucleotide variant.
Coding change: c.2854C>G on transcript NM_000179.3 (MANE Select); coding-DNA position 2854, C replaced by G.
Protein change: p.Leu952Val; replaces leucine 952 with valine.
Molecular consequence: missense variant.
Genome position (GRCh38, 1-based): chr2:47,800,837, C>G. VCF-style: chr2-47800837-C-G. GRCh37 (hg19) VCF-style: chr2-48027976-C-G.
Other names: c.2464C>G, p.Leu822Val (NM_001281492.2); c.1948C>G, p.Leu650Val (NM_001281493.2, NM_001281494.2, NM_001406811.1 and 6 more transcripts); c.2950C>G, p.Leu984Val (NM_001406795.1, NM_001406802.1); c.2854C>G, p.Leu952Val (NM_001406796.1, NM_001406798.1, NM_001406800.1 and 2 more transcripts); c.2557C>G, p.Leu853Val (NM_001406797.1, NM_001406801.1, NM_001406805.1 and 10 more transcripts); c.2329C>G, p.Leu777Val (NM_001406799.1, NM_001406806.1, NM_001406807.1); c.2776C>G, p.Leu926Val (NM_001406804.1); c.2860C>G, p.Leu954Val (NM_001406813.1); and 2 more; short protein forms L777V, L822V, L896V, L984V, L650V, L926V, L267V, L853V.
Identifiers: ClinVar variation 1796875 (VCV001796875.2), dbSNP rs1166644274, ClinGen allele CA346755879.